The following is an entry in ClinVar:

NM_021942.6(TRAPPC11):c.1208-14C>G

Gene: TRAPPC11 (trafficking protein particle complex subunit 11; plus strand). Cytogenetic location: 4q35.1.
Variant type: single nucleotide variant.
Coding change: c.1208-14C>G on transcript NM_021942.6 (MANE Select); 14 bases into the intron before coding-DNA position 1208, C replaced by G.
Molecular consequence: intron variant.
Genome position (GRCh38, 1-based): chr4:183,683,961, C>G. VCF-style: chr4-183683961-C-G. GRCh37 (hg19) VCF-style: chr4-184605114-C-G.
Other names: c.1208-14C>G (NM_199053.3).
Identifiers: ClinVar variation 4800497 (VCV004800497.2).

ClinVar aggregate classification (germline): Likely benign. Review status: criteria provided, multiple submitters, no conflicts (2 of 4 stars). 2 submissions from 2 submitters: Likely benign (2). Last evaluated 2026-09-01.

Conditions:
Autosomal recessive limb-girdle muscular dystrophy type R18 (LGMDR18). Also called: MUSCULAR DYSTROPHY, LIMB-GIRDLE, AUTOSOMAL RECESSIVE 18; Autosomal recessive limb-girdle muscular dystrophy type 2S; Limb-girdle muscular dystrophy, type 2S. Identifiers: Orphanet 369840, MedGen C4517996, MONDO:0014144, OMIM 615356.

gnomAD v4.1: 2 of 1,610,870 alleles (0.00012%); highest among the groups gnomAD compares: African/African-American, 0.0027%; no homozygotes.

Submissions (2):

CeGaT Center for Human Genetics Tuebingen
Classification: Likely benign. Last evaluated: 2026-09-01. Review status: criteria provided, single submitter. Criteria: CeGaT Center For Human Genetics Tuebingen Variant Classification Criteria Version 2. Collection method: clinical testing. Allele origin: germline. Affected: yes. Observed: 1 variant allele.
Comment: TRAPPC11: BP4, BP7

Labcorp Genetics (formerly Invitae), Labcorp
Classification: Likely benign for Autosomal recessive limb-girdle muscular dystrophy type R18. Last evaluated: 2025-06-12. Review status: criteria provided, single submitter. Criteria: Invitae Variant Classification Sherloc (09022015). Collection method: clinical testing. Allele origin: germline.